The following is an entry in ClinVar:

NM_003105.6(SORL1):c.5418A>T (p.Lys1806Asn)

Gene: SORL1 (sortilin related receptor 1; plus strand). Cytogenetic location: 11q24.1.
Variant type: single nucleotide variant.
Coding change: c.5418A>T on transcript NM_003105.6 (MANE Select); coding-DNA position 5418, A replaced by T.
Protein change: p.Lys1806Asn; replaces lysine 1806 with asparagine.
Molecular consequence: missense variant.
Genome position (GRCh38, 1-based): chr11:121,612,831, A>T. VCF-style: chr11-121612831-A-T. GRCh37 (hg19) VCF-style: chr11-121483540-A-T.
Other names: short protein forms K1806N.
Identifiers: ClinVar variation 2747889 (VCV002747889.3), dbSNP rs777960861, ClinGen allele CA6329935.

ClinVar aggregate classification (germline): Uncertain significance (1 of 4 stars; one submission).

Allele frequency attached by ClinVar (database versions not stated): gnomAD exomes 0.00002; ExAC 0.00003.
gnomAD v4.1: 10 of 1,609,002 alleles (0.00062%); highest among the groups gnomAD compares: Non-Finnish European, 0.00077%; no homozygotes.

Submission:

Labcorp Genetics (formerly Invitae), Labcorp
Classification: Uncertain significance. Last evaluated: 2024-10-22. Review status: criteria provided, single submitter. Criteria: Invitae Variant Classification Sherloc (09022015). Collection method: clinical testing. Allele origin: germline.
Comment: This sequence change replaces lysine, which is basic and polar, with asparagine, which is neutral and polar, at codon 1806 of the SORL1 protein (p.Lys1806Asn). This variant is present in population databases (rs777960861, gnomAD 0.004%). This variant has not been reported in the literature in individuals affected with SORL1-related conditions. An algorithm developed to predict the effect of missense changes on protein structure and function (PolyPhen-2) suggests that this variant is likely to be tolerated. Algorithms developed to predict the effect of sequence changes on RNA splicing suggest that this variant may disrupt the consensus splice site. In summary, the available evidence is currently insufficient to determine the role of this variant in disease. Therefore, it has been classified as a Variant of Uncertain Significance.